The following is an entry in ClinVar:

NM_000548.5(TSC2):c.151G>C (p.Glu51Gln)

Gene: TSC2 (TSC complex subunit 2; plus strand). Cytogenetic location: 16p13.3.
Variant type: single nucleotide variant.
Coding change: c.151G>C on transcript NM_000548.5 (MANE Select); coding-DNA position 151, G replaced by C.
Protein change: p.Glu51Gln; replaces glutamic acid 51 with glutamine.
Molecular consequence: missense variant. On other transcripts: 5 prime UTR variant (1).
Genome position (GRCh38, 1-based): chr16:2,050,412, G>C. VCF-style: chr16-2050412-G-C. GRCh37 (hg19) VCF-style: chr16-2100413-G-C.
Other names: c.151G>C, p.Glu51Gln (NM_001077183.3, NM_001114382.3, NM_001318827.2 and 4 more transcripts); c.4G>C, p.Glu2Gln (NM_001318829.2); c.-76G>C (NM_001318831.2); c.184G>C, p.Glu62Gln (NM_001318832.2); short protein forms E2Q, E51Q, E62Q.
Identifiers: ClinVar variation 837852 (VCV000837852.11), dbSNP rs910205065, ClinGen allele CA276769331.

ClinVar aggregate classification (germline): Uncertain significance. Review status: criteria provided, multiple submitters, no conflicts (2 of 4 stars). 3 submissions from 3 submitters: Uncertain significance (3). Last evaluated 2026-03-09.

Conditions:
Hereditary cancer-predisposing syndrome. Also called: Tumor predisposition; Neoplastic Syndromes, Hereditary; Hereditary neoplastic syndrome; Hereditary Cancer Syndrome. Identifiers: Orphanet 140162, MedGen C0027672, MeSH D009386, MONDO:0015356.
Tuberous sclerosis 2 (TSC2). Identifiers: Orphanet 805, MedGen C1860707, MONDO:0013199, OMIM 613254.

Submissions (3):

Helix
Classification: Uncertain significance for Tuberous sclerosis 2. Last evaluated: 2026-03-09. Review status: criteria provided, single submitter. Criteria: ACMG Guidelines, 2015. Collection method: clinical testing. Allele origin: germline. Inheritance: Autosomal dominant inheritance.
Comment: This variant (NM_000548.5:c.151G>C p.Glu51Gln) results in the substitution of glutamic acid with glutamine at codon 51 in the TSC2 protein. It is a rare variant that is absent from the large gnomAD population database (v4.1). To our knowledge, this variant has not been reported in individuals with TSC2-related conditions in the published literature. In silico prediction from REVEL (PMID: 27666373) is indeterminate. This variant is present in ClinVar (Accession: VCV000837852.10). In conclusion, since the available evidence is limited, the clinical significance of this variant is unclear at this time. Therefore, it is classified as a Variant of Uncertain Significance.

Ambry Genetics
Classification: Uncertain significance for Hereditary cancer-predisposing syndrome. Last evaluated: 2024-07-31. Review status: criteria provided, single submitter. Criteria: Ambry Variant Classification Scheme 2023. Collection method: clinical testing. Allele origin: germline.
Comment: The p.E51Q variant (also known as c.151G>C), located in coding exon 2 of the TSC2 gene, results from a G to C substitution at nucleotide position 151. The glutamic acid at codon 51 is replaced by glutamine, an amino acid with highly similar properties. This amino acid position is conserved. In addition, the in silico prediction for this alteration is inconclusive. Based on the available evidence, the clinical significance of this variant remains unclear.

Labcorp Genetics (formerly Invitae), Labcorp
Classification: Uncertain significance for Tuberous sclerosis 2. Last evaluated: 2024-04-11. Review status: criteria provided, single submitter. Criteria: Invitae Variant Classification Sherloc (09022015). Collection method: clinical testing. Allele origin: germline.
Comment: This sequence change replaces glutamic acid, which is acidic and polar, with glutamine, which is neutral and polar, at codon 51 of the TSC2 protein (p.Glu51Gln). This variant is not present in population databases (gnomAD no frequency). This variant has not been reported in the literature in individuals affected with TSC2-related conditions. ClinVar contains an entry for this variant (Variation ID: 837852). Advanced modeling of protein sequence and biophysical properties (such as structural, functional, and spatial information, amino acid conservation, physicochemical variation, residue mobility, and thermodynamic stability) performed at Invitae indicates that this missense variant is not expected to disrupt TSC2 protein function with a negative predictive value of 95%. In summary, the available evidence is currently insufficient to determine the role of this variant in disease. Therefore, it has been classified as a Variant of Uncertain Significance.